The following is an entry in ClinVar:

ClinVar aggregate classification (germline): Benign. Review status: criteria provided, single submitter (1 of 4 stars). 2 submissions from 2 submitters: Benign (1). 1 of the submissions does not count toward it. Last evaluated 2018-07-16.

Conditions:
SREBF2-related disorder. Also called: SREBF2-related condiiton.

Allele frequency attached by ClinVar (database versions not stated): gnomAD exomes 0.00031; ExAC 0.00041; 1000 Genomes Project 0.00080; 1000 Genomes Project 30x 0.00094; ESP Exome Variant Server 0.00131; gnomAD 0.00131; TOPMed 0.00144.
gnomAD v4.1: 367 of 1,614,102 alleles (0.023%); highest among the groups gnomAD compares: African/African-American, 0.47%; 1 homozygote.

Submissions (2):

Labcorp Genetics (formerly Invitae), Labcorp
Classification: Benign. Last evaluated: 2018-07-16. Review status: criteria provided, single submitter. Criteria: Invitae Variant Classification Sherloc (09022015). Collection method: clinical testing. Allele origin: germline.

PreventionGenetics, part of Exact Sciences
Classification: Likely benign for SREBF2-related condition. Last evaluated: 2019-09-26. Review status: no assertion criteria provided. Collection method: clinical testing. Allele origin: germline. Not counted in ClinVar's aggregate classification.
Comment: This variant is classified as likely benign based on ACMG/AMP sequence variant interpretation guidelines (Richards et al. 2015 PMID: 25741868, with internal and published modifications).

NM_004599.4(SREBF2):c.2377+10C>G

Gene: SREBF2 (sterol regulatory element binding transcription factor 2; plus strand). Cytogenetic location: 22q13.2.
Variant type: single nucleotide variant.
Coding change: c.2377+10C>G on transcript NM_004599.4 (MANE Select); 10 bases into the intron after coding-DNA position 2377, C replaced by G.
Molecular consequence: intron variant.
Genome position (GRCh38, 1-based): chr22:41,893,295, C>G. VCF-style: chr22-41893295-C-G. GRCh37 (hg19) VCF-style: chr22-42289299-C-G.
Identifiers: ClinVar variation 711089 (VCV000711089.5), dbSNP rs139986353, ClinGen allele CA10261916.